The following is an entry in ClinVar:

NM_001031679.3(MSRB3):c.319A>G (p.Asn107Asp)

Gene: MSRB3 (methionine sulfoxide reductase B3; plus strand). Cytogenetic location: 12q14.3.
Variant type: single nucleotide variant.
Coding change: c.319A>G on transcript NM_001031679.3 (MANE Select); coding-DNA position 319, A replaced by G.
Protein change: p.Asn107Asp; replaces asparagine 107 with aspartic acid.
Molecular consequence: missense variant.
Genome position (GRCh38, 1-based): chr12:65,453,754, A>G. VCF-style: chr12-65453754-A-G. GRCh37 (hg19) VCF-style: chr12-65847534-A-G.
Other names: c.319A>G, p.Asn107Asp (NM_001193460.2, NM_001193461.2); c.340A>G, p.Asn114Asp (NM_198080.4); short protein forms N107D, N114D.
Identifiers: ClinVar variation 3767589 (VCV003767589.2).
Genomic context (GRCh38, chr12:65,453,754, plus strand): 5'-CTCTGCTTTGATTCTTGTGCCTGCTGTGTCCCAGGTTGGCCTTCATTCCACGATGTGATC[A>G]ATTCTGAGGCAATCACATTCACAGATGACTTTTCCTATGGGATGCACAGGGTGGAAACAA-3'
Protein context (NP_001026849.1, residues 97-117): SGWPSFHDVI[Asn107Asp]SEAITFTDDF

ClinVar aggregate classification (germline): Uncertain significance. Review status: criteria provided, multiple submitters, no conflicts (2 of 4 stars). 2 submissions from 2 submitters: Uncertain significance (2). Last evaluated 2025-06-07.

Conditions:
Inborn genetic diseases. Identifiers: MedGen C0950123, MeSH D030342.

gnomAD v4.1: 62 of 1,614,114 alleles (0.0038%); highest among the groups gnomAD compares: South Asian, 0.059%; no homozygotes.

Submissions (2):

Ambry Genetics
Classification: Uncertain significance for Inborn genetic diseases. Last evaluated: 2025-06-07. Review status: criteria provided, single submitter. Criteria: Ambry Variant Classification Scheme 2023. Collection method: clinical testing. Allele origin: germline.

GeneDx
Classification: Uncertain significance. Last evaluated: 2024-09-10. Review status: criteria provided, single submitter. Criteria: GeneDx Variant Classification Process June 2021. Collection method: clinical testing. Allele origin: germline. Affected: yes.
Comment: In silico analysis indicates that this missense variant does not alter protein structure/function; Has not been previously published as pathogenic or benign to our knowledge